The following continues an entry in ClinVar:

NM_080680.3(COL11A2):c.966dup (p.Thr323fs)

Gene: COL11A2. ClinVar aggregate classification (germline): Conflicting classifications of pathogenicity. Pathogenic (13); Likely pathogenic (4); Uncertain significance (1).

Submissions 16 to 21 of 21:

Genetics Laboratory, Department of Biology, Semnan University
Classification: Pathogenic for Autosomal recessive nonsyndromic hearing loss 53. Last evaluated: 2019-01-15. Review status: criteria provided, single submitter. Criteria: ACMG Guidelines, 2015. Collection method: case-control. Allele origin: inherited. Inheritance: Autosomal recessive inheritance. Affected: yes. Observed: 1 homozygote.
Comment: The identified mutation leads to frameshift in the coding part of RPGR gene. Hence, this substitution alters the amino acid sequence and leads to a premature stop codon at position 323 with the complete loss of rest of the protein sequence leading to truncated protein.

Eurofins Ntd Llc (ga)
Classification: Pathogenic. Last evaluated: 2016-10-06. Review status: criteria provided, single submitter. Criteria: EGL Classification Definitions 2015. Collection method: clinical testing. Allele origin: germline. Observed: 1 variant allele, 1 heterozygote.

Juno Genomics, Hangzhou Juno Genomics, Inc
Classification: Pathogenic for Autosomal recessive nonsyndromic hearing loss 53; Fibrochondrogenesis 2. Review status: criteria provided, single submitter. Criteria: ACMG Guidelines, 2015. Collection method: clinical testing. Allele origin: germline.
Comment: Absent from controls (or at extremely low frequency if recessive) in Genome Aggregation Database.;Null variant in a gene where loss of function (LOF) is a known mechanism of disease.;For recessive disorders, detected in trans with a pathogenic variant.

Clinical Genetics DNA and cytogenetics Diagnostics Lab, Erasmus MC, Erasmus Medical Center
Classification: Pathogenic. Review status: no assertion criteria provided. Collection method: clinical testing. Allele origin: germline. Affected: yes. Study: VKGL Data-share Consensus. Not counted in ClinVar's aggregate classification.

Joint Genome Diagnostic Labs from Nijmegen and Maastricht, Radboudumc and MUMC+
Classification: Likely pathogenic. Review status: no assertion criteria provided. Collection method: clinical testing. Allele origin: germline. Affected: yes. Study: VKGL Data-share Consensus. Not counted in ClinVar's aggregate classification.

Laboratory for Molecular Medicine, Mass General Brigham Personalized Medicine
Classification: Uncertain significance. Last evaluated: 2019-08-14. Review status: flagged submission. Criteria: LMM Criteria. Collection method: clinical testing. Allele origin: germline. Observed: 1 variant allele. Not counted in ClinVar's aggregate classification.
Comment: Variant classified as Uncertain Significance - Favor Pathogenic. The p.Thr323HisfsX19 variant in COL11A2 has been previously reported in 3 Iranian individuals with hearing loss who were homozygous for the variant. It has been reported in ClinVar (Variation ID 497724). This variant has also been reported in 34/281618 of the total chromosomes by gnomAD, with the highest frequency of 0.019% (7/35422) in Latino chromosomes. This variant is predicted to cause a frameshift, which alters the proteinâ€™s amino acid sequence beginning at position 323 and leads to a premature termination codon 19 amino acids downstream. However, this variant is present in an in-frame exon that is only present in 1 transcript of COL11A2. Therefore, the impact to the protein is uncertain. In summary, while there is some suspicion for a pathogenic role, the clinical significance of this variant is uncertain. ACMG/AMP criteria applied: PVS1_Moderate, PM2_Supporting, PM3_Supporting.
ClinVar note: Reason: Outlier claim with insufficient supporting evidence

Literature cited by the submitters: PubMed 10677296 (cited by Labcorp Genetics (formerly Invitae), Labcorp and Clinical Genomics, G42 Labs); PubMed 21204229 (cited by Labcorp Genetics (formerly Invitae), Labcorp and Clinical Genomics, G42 Labs); PubMed 29456477 (cited by 3 submitters); PubMed 31299979 (cited by Labcorp Genetics (formerly Invitae), Labcorp and Clinical Genomics, G42 Labs); PubMed 26445815 (cited by Clinical Genomics, G42 Labs and Laboratory for Molecular Medicine, Mass General Brigham Personalized Medicine); PubMed 33111345 (cited by Clinical Genomics, G42 Labs and 3billion); PubMed 22246659 (cited by Center for Reproductive Medicine, Peking University Third Hospital); PubMed 31680349 (cited by Center for Reproductive Medicine, Peking University Third Hospital).